The following is an entry in ClinVar:

NM_005502.4(ABCA1):c.4975A>G (p.Ile1659Val)

Gene: ABCA1 (ATP binding cassette subfamily A member 1; minus strand). Cytogenetic location: 9q31.1.
Variant type: single nucleotide variant.
Coding change: c.4975A>G on transcript NM_005502.4 (MANE Select); coding-DNA position 4975, A replaced by G.
Protein change: p.Ile1659Val; replaces isoleucine 1659 with valine.
Molecular consequence: missense variant.
Genome position (GRCh38, 1-based): chr9:104,798,567, T>C on the plus strand (A>G on the coding strand, the complement: ABCA1 is on the minus strand). VCF-style: chr9-104798567-T-C. GRCh37 (hg19) VCF-style: chr9-107560848-T-C.
Other names: short protein forms I1659V.
Identifiers: ClinVar variation 1744489 (VCV001744489.2), dbSNP rs1830086492, ClinGen allele CA374314231.

ClinVar aggregate classification (germline): Uncertain significance (1 of 4 stars; one submission).

Conditions:
Cardiovascular phenotype. Identifiers: MedGen CN230736.

Allele frequency attached by ClinVar (database versions not stated): TOPMed 0.00003.

Submission:

Ambry Genetics
Classification: Uncertain significance for Cardiovascular phenotype. Last evaluated: 2021-11-05. Review status: criteria provided, single submitter. Criteria: Ambry Variant Classification Scheme 2023. Collection method: clinical testing. Allele origin: germline.
Comment: The p.I1659V variant (also known as c.4975A>G), located in coding exon 36 of the ABCA1 gene, results from an A to G substitution at nucleotide position 4975. The isoleucine at codon 1659 is replaced by valine, an amino acid with highly similar properties. This amino acid position is conserved. In addition, the in silico prediction for this alteration is inconclusive. Since supporting evidence is limited at this time, the clinical significance of this alteration remains unclear.